The following is an entry in ClinVar:

ClinVar aggregate classification (germline): Uncertain significance. Review status: criteria provided, multiple submitters, no conflicts (2 of 4 stars). 2 submissions from 2 submitters: Uncertain significance (2). Last evaluated 2025-07-21.

gnomAD v4.1: 33 of 1,613,866 alleles (0.002%); highest among the groups gnomAD compares: South Asian, 0.0033%; no homozygotes.

Submissions (2):

Labcorp Genetics (formerly Invitae), Labcorp
Classification: Uncertain significance. Last evaluated: 2025-07-21. Review status: criteria provided, single submitter. Criteria: Invitae Variant Classification Sherloc (09022015). Collection method: clinical testing. Allele origin: germline.
Comment: This sequence change replaces valine, which is neutral and non-polar, with methionine, which is neutral and non-polar, at codon 144 of the GSN protein (p.Val144Met). This variant is present in population databases (rs760357425, gnomAD 0.009%). This variant has not been reported in the literature in individuals affected with GSN-related conditions. An algorithm developed to predict the effect of missense changes on protein structure and function (PolyPhen-2) suggests that this variant is likely to be disruptive. In summary, the available evidence is currently insufficient to determine the role of this variant in disease. Therefore, it has been classified as a Variant of Uncertain Significance.

Blueprint Genetics
Classification: Uncertain significance. Last evaluated: 2022-01-27. Review status: criteria provided, single submitter. Criteria: ACMG Guidelines, 2015. Collection method: clinical testing. Allele origin: germline.

NM_198252.3(GSN):c.277G>A (p.Val93Met)

Gene: GSN (gelsolin; plus strand). Cytogenetic location: 9q33.2.
Variant type: single nucleotide variant.
Coding change: c.277G>A on transcript NM_198252.3 (MANE Select); coding-DNA position 277, G replaced by A.
Protein change: p.Val93Met; replaces valine 93 with methionine.
Molecular consequence: missense variant. On other transcripts: 5 prime UTR variant (1).
Genome position (GRCh38, 1-based): chr9:121,302,991, G>A. VCF-style: chr9-121302991-G-A. GRCh37 (hg19) VCF-style: chr9-124065269-G-A.
Other names: c.430G>A, p.Val144Met (NM_000177.5); c.277G>A, p.Val93Met (NM_001127662.2, NM_001127664.2, NM_001127665.2 and 10 more transcripts); c.385G>A, p.Val129Met (NM_001127663.2); c.310G>A, p.Val104Met (NM_001127666.2, NM_001127667.2, NM_001353063.2 and 13 more transcripts); c.328G>A, p.Val110Met (NM_001258029.2); c.301G>A, p.Val101Met (NM_001258030.2); c.349G>A, p.Val117Met (NM_001353076.2); c.-378G>A (NM_001353078.2); short protein forms V101M, V144M, V104M, V93M, V110M, V117M, V129M.
Identifiers: ClinVar variation 4700272 (VCV004700272.2).